The following is an entry in ClinVar:

NM_004336.5(BUB1):c.1666C>G (p.Arg556Gly)

Gene: BUB1 (BUB1 mitotic checkpoint serine/threonine kinase; minus strand). Cytogenetic location: 2q13.
Variant type: single nucleotide variant.
Coding change: c.1666C>G on transcript NM_004336.5 (MANE Select); coding-DNA position 1666, C replaced by G.
Protein change: p.Arg556Gly; replaces arginine 556 with glycine.
Molecular consequence: missense variant.
Genome position (GRCh38, 1-based): chr2:110,657,068, G>C on the plus strand (C>G on the coding strand, the complement: BUB1 is on the minus strand). VCF-style: chr2-110657068-G-C. GRCh37 (hg19) VCF-style: chr2-111414645-G-C.
Other names: c.1606C>G, p.Arg536Gly (NM_001278616.2); c.1666C>G, p.Arg556Gly (NM_001278617.2); short protein forms R536G, R556G.
Identifiers: ClinVar variation 2464993 (VCV002464993.2), dbSNP rs147598051, ClinGen allele CA53533284.

ClinVar aggregate classification (germline): Uncertain significance (1 of 4 stars; one submission).

Allele frequency attached by ClinVar (database versions not stated): ESP Exome Variant Server 0.00008.
gnomAD v4.1: 25 of 1,613,108 alleles (0.0015%); highest among the groups gnomAD compares: Non-Finnish European, 0.0019%; no homozygotes.

Submission:

Ambry Genetics
Classification: Uncertain significance. Last evaluated: 2022-12-18. Review status: criteria provided, single submitter. Criteria: Ambry Variant Classification Scheme 2023. Collection method: clinical testing. Allele origin: germline.
Comment: The p.R556G variant (also known as c.1666C>G), located in coding exon 15 of the BUB1 gene, results from a C to G substitution at nucleotide position 1666. The arginine at codon 556 is replaced by glycine, an amino acid with dissimilar properties. This amino acid position is conserved. In addition, the in silico prediction for this alteration is inconclusive. Since supporting evidence is limited at this time, the clinical significance of this alteration remains unclear.